The following is an entry in ClinVar:

NM_025179.4(PLXNA2):c.3640-1G>A

Gene: PLXNA2 (plexin A2; minus strand). Cytogenetic location: 1q32.2.
Variant type: single nucleotide variant.
Coding change: c.3640-1G>A on transcript NM_025179.4 (MANE Select); the canonical splice acceptor site of the intron before coding-DNA position 3640, G replaced by A.
Molecular consequence: splice acceptor variant.
Genome position (GRCh38, 1-based): chr1:208,044,743, C>T on the plus strand (G>A on the coding strand, the complement: PLXNA2 is on the minus strand). VCF-style: chr1-208044743-C-T. GRCh37 (hg19) VCF-style: chr1-208218088-C-T.
Other names: c.3640-1G>A (NM_025179.3).
Identifiers: ClinVar variation 3911834 (VCV003911834.2).

ClinVar aggregate classification (germline): Conflicting classifications of pathogenicity. Review status: criteria provided, conflicting classifications (1 of 4 stars). 2 submissions from 2 submitters: Likely pathogenic (1); Uncertain significance (1). Last evaluated 2026-01-14.

Conditions:
PLXNA2-related disorder. Also called: PLXNA2-related condition.

Submissions (2):

PreventionGenetics, part of Exact Sciences
Classification: Uncertain significance for PLXNA2-related condition. Last evaluated: 2026-01-14. Review status: criteria provided, single submitter. Criteria: ACMG Guidelines, 2015. Collection method: clinical testing. Allele origin: germline.
Comment: The PLXNA2 c.3640-1G>A variant is predicted to disrupt the AG splice acceptor site and interfere with normal splicing. To our knowledge, this variant has not been reported in the literature or in a large population database (gnomAD), indicating this variant is rare. Loss of function has not been established as a mechanism of PLXNA2-related disease. At this time, the clinical significance of this variant is uncertain due to the absence of conclusive functional and genetic evidence.

Laboratory of Genetics, Children's Clinical University Hospital Latvia
Classification: Likely pathogenic. Last evaluated: 2025-02-16. Review status: criteria provided, single submitter. Criteria: ACMG Guidelines, 2015. Collection method: clinical testing. Allele origin: germline. Affected: yes.